The following is an entry in ClinVar:

NM_003072.5(SMARCA4):c.4083G>A (p.Glu1361=)

Gene: SMARCA4 (SWI/SNF related BAF chromatin remodeling complex subunit ATPase 4; plus strand). Cytogenetic location: 19p13.2.
Variant type: single nucleotide variant.
Coding change: c.4083G>A on transcript NM_003072.5 (MANE Select); coding-DNA position 4083, G replaced by A.
Protein change: p.Glu1361=; no amino-acid change (glutamic acid 1361 retained).
Molecular consequence: synonymous variant. On other transcripts: non-coding transcript variant (1).
Genome position (GRCh38, 1-based): chr19:11,035,045, G>A. VCF-style: chr19-11035045-G-A. GRCh37 (hg19) VCF-style: chr19-11145721-G-A.
Other names: c.4083G>A, p.Glu1361= (NM_001387283.1, NM_001128844.3, NM_001128849.3); c.3984G>A, p.Glu1328= (NM_001128845.2, NM_001128846.2, NM_001128847.4 and 2 more transcripts).
Identifiers: ClinVar variation 470380 (VCV000470380.12), dbSNP rs1555785439, ClinGen allele CA505493413.

ClinVar aggregate classification (germline): Benign/Likely benign. Review status: criteria provided, multiple submitters, no conflicts (2 of 4 stars). 2 submissions from 2 submitters: Benign (1); Likely benign (1). Last evaluated 2026-07-17.

Conditions:
Rhabdoid tumor predisposition syndrome 2 (RTPS2). Identifiers: Orphanet 231108, Orphanet 69077, MedGen C2750074, MONDO:0013224, OMIM 613325.

Submissions (2):

Myriad Genetics, Inc.
Classification: Benign for Rhabdoid tumor predisposition syndrome 2. Last evaluated: 2026-07-17. Review status: criteria provided, single submitter. Criteria: Myriad Autosomal Dominant, Autosomal Recessive and X-Linked Classification Criteria (2023). Collection method: clinical testing. Allele origin: unknown.
Comment: This variant is considered benign. This variant is a silent/synonymous amino acid change and it is not expected to impact splicing.

Labcorp Genetics (formerly Invitae), Labcorp
Classification: Likely benign for Rhabdoid tumor predisposition syndrome 2. Last evaluated: 2025-04-27. Review status: criteria provided, single submitter. Criteria: Invitae Variant Classification Sherloc (09022015). Collection method: clinical testing. Allele origin: germline.